The following is an entry in ClinVar:

NM_002454.3(MTRR):c.125A>G (p.Asp42Gly)

Gene: MTRR (5-methyltetrahydrofolate-homocysteine methyltransferase reductase; plus strand). Cytogenetic location: 5p15.31.
Variant type: single nucleotide variant.
Coding change: c.125A>G on transcript NM_002454.3 (MANE Select); coding-DNA position 125, A replaced by G.
Protein change: p.Asp42Gly; replaces aspartic acid 42 with glycine.
Molecular consequence: missense variant. On other transcripts: non-coding transcript variant (14).
Genome position (GRCh38, 1-based): chr5:7,870,919, A>G. VCF-style: chr5-7870919-A-G. GRCh37 (hg19) VCF-style: chr5-7871032-A-G.
Other names: c.125A>G, p.Asp42Gly (NM_001364440.2, NM_001364441.2, NM_001364442.2 and 1 more transcripts); short protein forms D42G.
Identifiers: ClinVar variation 3768106 (VCV003768106.1).

ClinVar aggregate classification (germline): Uncertain significance (1 of 4 stars; one submission).

gnomAD v4.1: 2 of 1,614,198 alleles (0.00012%); highest among the groups gnomAD compares: Non-Finnish European, 0.00017%; no homozygotes.

Submission:

Women's Health and Genetics/Laboratory Corporation of America, LabCorp
Classification: Uncertain significance. Last evaluated: 2024-12-11. Review status: criteria provided, single submitter. Criteria: LabCorp Variant Classification Summary - May 2015. Collection method: clinical testing. Allele origin: germline.
Comment: Variant summary: MTRR c.125A>G (p.Asp42Gly) results in a non-conservative amino acid change in the encoded protein sequence. Three of four in-silico tools predict a benign effect of the variant on protein function. The variant allele was found at a frequency of 4e-06 in 251480 control chromosomes (gnomAD). The available data on variant occurrences in the general population are insufficient to allow any conclusion about variant significance. c.125A>G has been reported in the literature in an individual affected with Homocystinuria-Megaloblastic Anemia, cbl E type (Palanca_2013). These data do not allow any conclusion about variant significance. To our knowledge, no experimental evidence demonstrating an impact on protein function has been reported. The following publication has been ascertained in the context of this evaluation (PMID: 23430521). No submitters have cited clinical-significance assessments for this variant to ClinVar. Based on the evidence outlined above, the variant was classified as uncertain significance.

Literature cited by the submitters: PubMed 23430521.